The following is an entry in ClinVar:

ClinVar aggregate classification (germline): Likely benign. Review status: criteria provided, multiple submitters, no conflicts (2 of 4 stars). 2 submissions from 2 submitters: Likely benign (2). Last evaluated 2026-06-04.

Conditions:
PKD1L1-related disorder. Also called: PKD1L1-related condition.

Allele frequency attached by ClinVar (database versions not stated): gnomAD exomes 0.00007; ExAC 0.00024; 1000 Genomes Project 0.00040; 1000 Genomes Project 30x 0.00047; TOPMed 0.00057; gnomAD 0.00058; ESP Exome Variant Server 0.00085.
gnomAD v4.1: 188 of 1,612,866 alleles (0.012%); highest among the groups gnomAD compares: African/African-American, 0.17%; no homozygotes.

Submissions (2):

PreventionGenetics, part of Exact Sciences
Classification: Likely benign for PKD1L1-related condition. Last evaluated: 2026-06-04. Review status: criteria provided, single submitter. Criteria: ACMG Guidelines, 2015. Collection method: clinical testing. Allele origin: germline.
Comment: This variant is classified as likely benign based on ACMG/AMP sequence variant interpretation guidelines (Richards et al. 2015 PMID: 25741868, with internal and published modifications).

Labcorp Genetics (formerly Invitae), Labcorp
Classification: Likely benign. Last evaluated: 2025-03-10. Review status: criteria provided, single submitter. Criteria: Invitae Variant Classification Sherloc (09022015). Collection method: clinical testing. Allele origin: germline.

NM_138295.5(PKD1L1):c.3889G>A (p.Glu1297Lys)

Gene: PKD1L1 (polycystin 1 like 1, transient receptor potential channel interacting; minus strand). Cytogenetic location: 7p12.3.
Variant type: single nucleotide variant.
Coding change: c.3889G>A on transcript NM_138295.5 (MANE Select); coding-DNA position 3889, G replaced by A.
Protein change: p.Glu1297Lys; replaces glutamic acid 1297 with lysine.
Molecular consequence: missense variant.
Genome position (GRCh38, 1-based): chr7:47,873,906, C>T on the plus strand (G>A on the coding strand, the complement: PKD1L1 is on the minus strand). VCF-style: chr7-47873906-C-T. GRCh37 (hg19) VCF-style: chr7-47913504-C-T.
Other names: c.3889G>A (NM_138295.3); short protein forms E1297K.
Identifiers: ClinVar variation 2912491 (VCV002912491.6), dbSNP rs146471839, ClinGen allele CA4253278.